The following is an entry in ClinVar:

ClinVar aggregate classification (germline): Benign/Likely benign. Review status: criteria provided, multiple submitters, no conflicts (2 of 4 stars). 6 submissions from 6 submitters: Benign (2); Likely benign (4). Last evaluated 2025-11-24.

Conditions:
Monogenic diabetes. Identifiers: Orphanet 183625, MedGen C3888631, MONDO:0015967.

Allele frequency attached by ClinVar (database versions not stated): gnomAD exomes 0.00075; ExAC 0.00094; TOPMed 0.00316; gnomAD 0.00328; ESP Exome Variant Server 0.00338; 1000 Genomes Project 0.00339; 1000 Genomes Project 30x 0.00359.
gnomAD v4.1: 909 of 1,613,718 alleles (0.056%); highest among the groups gnomAD compares: African/African-American, 1%; 7 homozygotes.

Submissions (6):

Labcorp Genetics (formerly Invitae), Labcorp
Classification: Benign. Last evaluated: 2025-11-24. Review status: criteria provided, single submitter. Criteria: Invitae Variant Classification Sherloc (09022015). Collection method: clinical testing. Allele origin: germline.

Blueprint Genetics
Classification: Likely benign. Last evaluated: 2024-11-25. Review status: criteria provided, single submitter. Criteria: ACMG Guidelines, 2015. Collection method: clinical testing. Allele origin: germline.

GeneDx
Classification: Likely benign. Last evaluated: 2021-06-22. Review status: criteria provided, single submitter. Criteria: GeneDx Variant Classification Process June 2021. Collection method: clinical testing. Allele origin: germline. Affected: yes.

Personalized Diabetes Medicine Program, University of Maryland School of Medicine
Classification: Benign for Monogenic diabetes. Last evaluated: 2017-06-26. Review status: criteria provided, single submitter. Criteria: ACMG Guidelines, 2015. Collection method: research. Allele origin: unknown. Observed: 1 variant allele, 1 heterozygote. Study: Personalized Diabetes Medicine Program.
Comment: ACMG Criteria:BP4 (9 predictors), BS2 (24 cases and 17 controls in an online resource), BS1 (1.21% 1000G African)

Genetic Services Laboratory, University of Chicago
Classification: Likely benign for AllHighlyPenetrant. Last evaluated: 2013-09-05. Review status: criteria provided, single submitter. Criteria: ACMG Guidelines, 2007. Collection method: clinical testing. Allele origin: germline. Inheritance: Autosomal dominant inheritance.

Breakthrough Genomics
Classification: Likely benign. Review status: criteria provided, single submitter. Criteria: ACMG Guidelines, 2015. Collection method: not provided. Allele origin: germline. Inheritance: Unknown mechanism. Affected: yes.

NM_003597.5(KLF11):c.410A>G (p.Asp137Gly)

Gene: KLF11 (KLF transcription factor 11; plus strand). Cytogenetic location: 2p25.1.
Variant type: single nucleotide variant.
Coding change: c.410A>G on transcript NM_003597.5 (MANE Select); coding-DNA position 410, A replaced by G.
Protein change: p.Asp137Gly; replaces aspartic acid 137 with glycine.
Molecular consequence: missense variant.
Genome position (GRCh38, 1-based): chr2:10,047,747, A>G. VCF-style: chr2-10047747-A-G. GRCh37 (hg19) VCF-style: chr2-10187874-A-G.
Other names: c.359A>G, p.Asp120Gly (NM_001177716.2, NM_001177718.2); short protein forms D137G, D120G.
Identifiers: ClinVar variation 129430 (VCV000129430.19), dbSNP rs145933214, ClinGen allele CA153420.